The following is an entry in ClinVar:

NM_000263.4(NAGLU):c.1515C>T (p.Ser505=)

Gene: NAGLU (N-acetyl-alpha-glucosaminidase; plus strand). Cytogenetic location: 17q21.2.
Variant type: single nucleotide variant.
Coding change: c.1515C>T on transcript NM_000263.4 (MANE Select); coding-DNA position 1515, C replaced by T.
Protein change: p.Ser505=; no amino-acid change (serine 505 retained).
Molecular consequence: synonymous variant.
Genome position (GRCh38, 1-based): chr17:42,543,521, C>T. VCF-style: chr17-42543521-C-T. GRCh37 (hg19) VCF-style: chr17-40695539-C-T.
Identifiers: ClinVar variation 290320 (VCV000290320.61), dbSNP rs112751577, ClinGen allele CA8577043.

ClinVar aggregate classification (germline): Conflicting classifications of pathogenicity. Review status: criteria provided, conflicting classifications (1 of 4 stars). 10 submissions from 10 submitters: Uncertain significance (2); Benign (1); Likely benign (3). 4 of the submissions do not count toward it. Last evaluated 2026-08-01.

Conditions:
Mucopolysaccharidosis, MPS-III-B (MPS3B). Also called: MPS III B; MUCOPOLYSACCHARIDOSIS, TYPE IIIB; MPS IIIB (Sanfilippo Syndrome Type B); N-ACETYL-ALPHA-D-GLUCOSAMINIDASE DEFICIENCY; NAGLU DEFICIENCY; SANFILIPPO SYNDROME B. Identifiers: Orphanet 79270, MedGen C0086648, MONDO:0009656, OMIM 252920.
Charcot-Marie-Tooth disease axonal type 2V. Also called: CHARCOT-MARIE-TOOTH NEUROPATHY, TYPE 2V; CHARCOT-MARIE-TOOTH DISEASE, AXONAL, AUTOSOMAL DOMINANT, TYPE 2V. Identifiers: Orphanet 447964, MedGen C5569050, MONDO:0014665, OMIM 616491.

Allele frequency attached by ClinVar (database versions not stated): gnomAD exomes 0.00211 and 0.00308; gnomAD 0.00228 and 0.00237; ExAC 0.00239; ESP Exome Variant Server 0.00246; 1000 Genomes Project 30x 0.00031; 1000 Genomes Project 0.00040; TOPMed 0.00198.
gnomAD v4.1: 4,757 of 1,606,260 alleles (0.3%); highest among the groups gnomAD compares: Non-Finnish European, 0.36%; 9 homozygotes.

Submissions (10):

CeGaT Center for Human Genetics Tuebingen
Classification: Likely benign. Last evaluated: 2026-08-01. Review status: criteria provided, single submitter. Criteria: CeGaT Center For Human Genetics Tuebingen Variant Classification Criteria Version 2. Collection method: clinical testing. Allele origin: germline. Affected: yes. Observed: 16 variant alleles.
Comment: NAGLU: BP4, BP7

Labcorp Genetics (formerly Invitae), Labcorp
Classification: Benign for Charcot-Marie-Tooth disease axonal type 2V; Mucopolysaccharidosis, MPS-III-B. Last evaluated: 2026-02-01. Review status: criteria provided, single submitter. Criteria: Invitae Variant Classification Sherloc (09022015). Collection method: clinical testing. Allele origin: germline.

Blueprint Genetics
Classification: Likely benign. Last evaluated: 2024-11-26. Review status: criteria provided, single submitter. Criteria: ACMG Guidelines, 2015. Collection method: clinical testing. Allele origin: germline.

Illumina Laboratory Services, Illumina
Classification: Uncertain significance for Mucopolysaccharidosis, MPS-III-B. Last evaluated: 2018-01-12. Review status: criteria provided, single submitter. Criteria: ICSL Variant Classification Criteria 13 December 2019. Collection method: clinical testing. Allele origin: germline.

Clinical Genetics DNA and cytogenetics Diagnostics Lab, Erasmus MC, Erasmus Medical Center
Classification: Likely benign for Mucopolysaccharidosis, MPS-III-B. Last evaluated: 2017-06-28. Review status: criteria provided, single submitter. Criteria: ACGS Guidelines, 2013. Collection method: clinical testing. Allele origin: germline. Affected: yes. Study: VKGL Data-share Consensus.

Eurofins Ntd Llc (ga)
Classification: Uncertain significance. Last evaluated: 2016-08-15. Review status: criteria provided, single submitter. Criteria: EGL Classification Definitions 2015. Collection method: clinical testing. Allele origin: germline. Observed: 1 variant allele, 1 heterozygote.

Natera, Inc.
Classification: Benign for Mucopolysaccharidosis type IIIB. Last evaluated: 2020-09-16. Review status: no assertion criteria provided. Collection method: clinical testing. Allele origin: germline. Not counted in ClinVar's aggregate classification.

Mayo Clinic Laboratories, Mayo Clinic
Classification: Likely benign. Last evaluated: 2017-03-16. Review status: no assertion criteria provided. Collection method: clinical testing. Allele origin: unknown. Not counted in ClinVar's aggregate classification.

Clinical Genetics, Academic Medical Center
Classification: Likely benign. Review status: no assertion criteria provided. Collection method: clinical testing. Allele origin: germline. Affected: yes. Study: VKGL Data-share Consensus. Not counted in ClinVar's aggregate classification.

Diagnostic Laboratory, Department of Genetics, University Medical Center Groningen
Classification: Likely benign for Mucopolysaccharidosis, MPS-III-B. Review status: no assertion criteria provided. Collection method: clinical testing. Allele origin: germline. Affected: yes. Study: VKGL Data-share Consensus. Not counted in ClinVar's aggregate classification.